The following is an entry in ClinVar:

ClinVar aggregate classification (germline): Uncertain significance (1 of 4 stars; one submission).
ClinVar aggregate classification (somatic clinical impact): Tier I - Strong (1 of 4 stars; one submission).

Conditions:
Gastrointestinal stromal tumor. Also called: Gastrointestinal stromal tumor, somatic; Gastrointestinal stroma tumor. Identifiers: Orphanet 44890, MedGen C0238198, MeSH D046152, MONDO:0011719, OMIM 606764, HP:0100723.
Germinoma. Also called: Germinoma (disease). Identifiers: MedGen C0206660, MONDO:0002598, HP:0100620.

Submissions (2):

Institute for Genomic Medicine (IGM) Clinical Laboratory, Nationwide Children's Hospital
Classification: Tier I - Strong for Germinoma. Assertion type: diagnostic. Clinical significance: supports diagnosis. Last evaluated: 2025-02-24. Review status: criteria provided, single submitter. Criteria: AMP/ASCO/CAP Guidelines, 2017. Collection method: clinical testing. Allele origin: somatic. Affected: yes.
Comment: Variant has Tier I (strong) clinical significance as a diagnostic inclusion criterion in germinoma, based on the following evidence: 1) Documented in one or more cancer databases (e.g., St. Jude Pecan, COSMIC, CIViC, OncoKB). 2) Appears in one or more well-established professional guidelines (e.g., World Health Organization [WHO]; National Comprehensive Cancer Network [NCCN]) as providing diagnostic, prognostic, or therapeutic information. 3) Diagnostic for a specific tumor type/classification based on well-powered studies with expert-level consensus (Evidence Level B; PMIDs: 24452629, 24896186, 27391150).

Labcorp Genetics (formerly Invitae), Labcorp
Classification: Uncertain significance for Gastrointestinal stromal tumor. Last evaluated: 2023-06-22. Review status: criteria provided, single submitter. Criteria: Invitae Variant Classification Sherloc (09022015). Collection method: clinical testing. Allele origin: germline.
Comment: In summary, the available evidence is currently insufficient to determine the role of this variant in disease. Therefore, it has been classified as a Variant of Uncertain Significance. An algorithm developed to predict the effect of missense changes on protein structure and function (PolyPhen-2) suggests that this variant is likely to be disruptive. This missense change has been observed in individual(s) with gastrointestinal stromal tumor syndrome (PMID: 18724244). It has also been observed to segregate with disease in related individuals. This variant is not present in population databases (gnomAD no frequency). This sequence change replaces asparagine, which is neutral and polar, with tyrosine, which is neutral and polar, at codon 822 of the KIT protein (p.Asn822Tyr).

Literature cited by the submitters: PubMed 24452629 (cited by Institute for Genomic Medicine (IGM) Clinical Laboratory, Nationwide Children's Hospital); PubMed 24896186 (cited by Institute for Genomic Medicine (IGM) Clinical Laboratory, Nationwide Children's Hospital); PubMed 27391150 (cited by Institute for Genomic Medicine (IGM) Clinical Laboratory, Nationwide Children's Hospital); PubMed 18724244 (cited by Labcorp Genetics (formerly Invitae), Labcorp).

NM_000222.3(KIT):c.2464A>T (p.Asn822Tyr)

Gene: KIT (KIT proto-oncogene, receptor tyrosine kinase; plus strand). Cytogenetic location: 4q12.
Variant type: single nucleotide variant.
Coding change: c.2464A>T on transcript NM_000222.3 (MANE Select); coding-DNA position 2464, A replaced by T.
Protein change: p.Asn822Tyr; replaces asparagine 822 with tyrosine.
Molecular consequence: missense variant.
Genome position (GRCh38, 1-based): chr4:54,733,172, A>T. VCF-style: chr4-54733172-A-T. GRCh37 (hg19) VCF-style: chr4-55599338-A-T.
Other names: c.2452A>T, p.Asn818Tyr (NM_001093772.2, NM_001385292.1); c.2467A>T, p.Asn823Tyr (NM_001385284.1); c.2461A>T, p.Asn821Tyr (NM_001385285.1); c.2449A>T, p.Asn817Tyr (NM_001385286.1); c.2455A>T, p.Asn819Tyr (NM_001385288.1); c.2464A>T, p.Asn822Tyr (NM_001385290.1); short protein forms N818Y, N819Y, N821Y, N822Y, N817Y, N823Y.
Identifiers: ClinVar variation 2734655 (VCV002734655.4), dbSNP rs2109801889, ClinGen allele CA356911971.
Genomic context (GRCh38, chr4:54,733,172, plus strand): 5'-CATGGTCGGATCACAAAGATTTGTGATTTTGGTCTAGCCAGAGACATCAAGAATGATTCT[A>T]ATTATGTGGTTAAAGGAAACGTGAGTACCCATTCTCTGCTTGACAGTCCTGCAAAGGATT-3'
Protein context (NP_000213.1, residues 812-832): GLARDIKNDS[Asn822Tyr]YVVKGNARLP